The following is an entry in ClinVar:

ClinVar aggregate classification (germline): Pathogenic (1 of 4 stars; one submission).

Submission:

Labcorp Genetics (formerly Invitae), Labcorp
Classification: Pathogenic. Last evaluated: 2020-09-24. Review status: criteria provided, single submitter. Criteria: Invitae Variant Classification Sherloc (09022015). Collection method: clinical testing. Allele origin: germline.
Comment: This variant is a gross deletion of the genomic region encompassing exon(s) 30-51 of the COL4A5 gene. The 5' boundary is likely confined to intron 29. The 3' end of this event is unknown as it extends through the termination codon beyond the assayed region for this gene and may encompass additional genes. While this deletion is not anticipated to result in nonsense mediated decay, it is expected to create a truncated protein product or disrupt mRNA translation. This variant has not been reported in the literature in individuals with COL4A5-related conditions. This variant disrupts the triple helix domain of COL4A5. Glycine residues within the Gly-Xaa-Yaa repeats of the triple helix domain are required for the structure and stability of fibrillar collagens (PMID: 7695699, 8218237, 19344236). In COL4A5, missense variants at these glycine residues are significantly enriched in individuals with disease (PMID: 23720012, 27627812) compared to the general population (ExAC). For these reasons, this variant has been classified as Pathogenic.

Literature cited by the submitters: PubMed 7695699; PubMed 8218237; PubMed 19344236; PubMed 23720012; PubMed 27627812.

NC_000023.10:g.(?_107852872)_(107979574_?)del

Genes: COL4A5 (collagen type IV alpha 5 chain; plus strand), IRS4 (insulin receptor substrate 4; minus strand). Cytogenetic location: Xq22.3.
Variant type: Deletion.
Identifiers: ClinVar variation 1076347 (VCV001076347.1).